The following is an entry in ClinVar:

NM_001271803.2(REEP2):c.479G>A (p.Arg160Gln)

Gene: REEP2 (receptor accessory protein 2; plus strand). Cytogenetic location: 5q31.2.
Variant type: single nucleotide variant.
Coding change: c.479G>A on transcript NM_001271803.2 (MANE Select); coding-DNA position 479, G replaced by A.
Protein change: p.Arg160Gln; replaces arginine 160 with glutamine.
Molecular consequence: missense variant. On other transcripts: non-coding transcript variant (2).
Genome position (GRCh38, 1-based): chr5:138,445,289, G>A. VCF-style: chr5-138445289-G-A. GRCh37 (hg19) VCF-style: chr5-137780978-G-A.
Other names: c.473G>A (NM_016606.2); c.473G>A, p.Arg158Gln (NM_016606.4); short protein forms R160Q, R158Q.
Identifiers: ClinVar variation 834341 (VCV000834341.11), dbSNP rs1312330798, ClinGen allele CA361104305.

ClinVar aggregate classification (germline): Uncertain significance. Review status: criteria provided, multiple submitters, no conflicts (2 of 4 stars). 2 submissions from 2 submitters: Uncertain significance (2). Last evaluated 2026-04-15.

Conditions:
Hereditary spastic paraplegia 72 (SPG72A). Also called: Spastic paraplegia 72, autosomal recessive. Identifiers: Orphanet 401849, MedGen C5882669, MONDO:0014282, OMIM 615625.
Inborn genetic diseases. Identifiers: MedGen C0950123, MeSH D030342.

Allele frequency attached by ClinVar (database versions not stated): TOPMed 0.00002; gnomAD exomes 0.00001 and 0.00002; gnomAD 0.00003.
gnomAD v4.1: 17 of 1,613,402 alleles (0.0011%); highest among the groups gnomAD compares: African/African-American, 0.0027%; no homozygotes.

Submissions (2):

Ambry Genetics
Classification: Uncertain significance for Inborn genetic diseases. Last evaluated: 2026-04-15. Review status: criteria provided, single submitter. Criteria: Ambry Variant Classification Scheme 2023. Collection method: clinical testing. Allele origin: germline.

Labcorp Genetics (formerly Invitae), Labcorp
Classification: Uncertain significance for Hereditary spastic paraplegia 72. Last evaluated: 2020-09-24. Review status: criteria provided, single submitter. Criteria: Invitae Variant Classification Sherloc (09022015). Collection method: clinical testing. Allele origin: germline.
Comment: In summary, the available evidence is currently insufficient to determine the role of this variant in disease. Therefore, it has been classified as a Variant of Uncertain Significance. Algorithms developed to predict the effect of sequence changes on RNA splicing suggest that this variant may create or strengthen a splice site, but this prediction has not been confirmed by published transcriptional studies. Algorithms developed to predict the effect of missense changes on protein structure and function (SIFT, PolyPhen-2, Align-GVGD) all suggest that this variant is likely to be tolerated, but these predictions have not been confirmed by published functional studies and their clinical significance is uncertain. This variant has not been reported in the literature in individuals with REEP2-related conditions. This variant is not present in population databases (ExAC no frequency). This sequence change replaces arginine with glutamine at codon 160 of the REEP2 protein (p.Arg160Gln). The arginine residue is moderately conserved and there is a small physicochemical difference between arginine and glutamine.